The following is an entry in ClinVar:

ClinVar aggregate classification (germline): Uncertain significance (1 of 4 stars; one submission).

Conditions:
Kabuki syndrome. Also called: NIIKAWA-KUROKI SYNDROME; Kabuki make-up syndrome. Identifiers: Orphanet 2322, MedGen C0796004, MONDO:0016512.

Submission:

Labcorp Genetics (formerly Invitae), Labcorp
Classification: Uncertain significance for Kabuki syndrome. Last evaluated: 2025-10-24. Review status: criteria provided, single submitter. Criteria: Invitae Variant Classification Sherloc (09022015). Collection method: clinical testing. Allele origin: germline.
Comment: This sequence change replaces aspartic acid, which is acidic and polar, with glycine, which is neutral and non-polar, at codon 4874 of the KMT2D protein (p.Asp4874Gly). This variant is not present in population databases (gnomAD no frequency). This variant has not been reported in the literature in individuals affected with KMT2D-related conditions. Invitae Evidence Modeling of protein sequence and biophysical properties (such as structural, functional, and spatial information, amino acid conservation, physicochemical variation, residue mobility, and thermodynamic stability) indicates that this missense variant is not expected to disrupt KMT2D protein function with a negative predictive value of 95%. In summary, the available evidence is currently insufficient to determine the role of this variant in disease. Therefore, it has been classified as a Variant of Uncertain Significance.

NM_003482.4(KMT2D):c.14621A>G (p.Asp4874Gly)

Gene: KMT2D (lysine methyltransferase 2D; minus strand). Cytogenetic location: 12q13.12.
Variant type: single nucleotide variant.
Coding change: c.14621A>G on transcript NM_003482.4 (MANE Select); coding-DNA position 14621, A replaced by G.
Protein change: p.Asp4874Gly; replaces aspartic acid 4874 with glycine.
Molecular consequence: missense variant.
Genome position (GRCh38, 1-based): chr12:49,027,825, T>C on the plus strand (A>G on the coding strand, the complement: KMT2D is on the minus strand). VCF-style: chr12-49027825-T-C. GRCh37 (hg19) VCF-style: chr12-49421608-T-C.
Other names: short protein forms D4874G.
Identifiers: ClinVar variation 4801181 (VCV004801181.1).